The following is an entry in ClinVar:

NC_000011.9:g.(?_31804921)_(31812428_?)del

Genes: ELP4 (elongator acetyltransferase complex subunit 4; plus strand), PAX6 (paired box 6; minus strand). Cytogenetic location: 11p13.
Variant type: Deletion.
Identifiers: ClinVar variation 1458968 (VCV001458968.5).

ClinVar aggregate classification (germline): Pathogenic (1 of 4 stars; one submission).

Conditions:
Aniridia 1 (AN1). Identifiers: Orphanet 250923, MedGen C0344542, MONDO:0024507, OMIM 106210.
Irido-corneo-trabecular dysgenesis (ASGD5). Also called: ANTERIOR SEGMENT DYSGENESIS 5. Identifiers: Orphanet 708, MedGen C0344559, MONDO:0011414, OMIM 604229, HP:0000659.

Submission:

Labcorp Genetics (formerly Invitae), Labcorp
Classification: Pathogenic for Aniridia 1; Irido-corneo-trabecular dysgenesis. Last evaluated: 2021-08-12. Review status: criteria provided, single submitter. Criteria: Invitae Variant Classification Sherloc (09022015). Collection method: clinical testing. Allele origin: germline.
Comment: This variant is a gross deletion of the genomic region encompassing exon(s) 12-13 of the PAX6 gene, which includes the termination codon. This deletion extends beyond the assayed region for this gene and therefore may encompass additional genes. While this deletion is not anticipated to lead to nonsense mediated decay, it is expected to alter mRNA translation or result in a truncated protein product. A similar copy number variant has been observed in individual(s) with clinical features of aniridia (Invitae). For these reasons, this variant has been classified as Pathogenic.